The following is an entry in ClinVar:

NM_002661.5(PLCG2):c.1389T>A (p.Asp463Glu)

Gene: PLCG2 (phospholipase C gamma 2; plus strand). Cytogenetic location: 16q23.3.
Variant type: single nucleotide variant.
Coding change: c.1389T>A on transcript NM_002661.5 (MANE Select); coding-DNA position 1389, T replaced by A.
Protein change: p.Asp463Glu; replaces aspartic acid 463 with glutamic acid.
Molecular consequence: missense variant.
Genome position (GRCh38, 1-based): chr16:81,905,429, T>A. VCF-style: chr16-81905429-T-A. GRCh37 (hg19) VCF-style: chr16-81939034-T-A.
Other names: c.1389T>A, p.Asp463Glu (NM_001425749.1, NM_001425750.1, NM_001425751.1); short protein forms D463E.
Identifiers: ClinVar variation 4768967 (VCV004768967.1).
Genomic context (GRCh38, chr16:81,905,429, plus strand): 5'-ATGGAGACAGCCTATGTATATGTTTTCCCCTCAGCATAAGAAGCTGGGCCCCCGAGGCGA[T>A]GTGGATGTCAACATGGAGGACAAGAAGGACGAACACAAGCAACAGGGGGAGCTGTACATG-3'
Protein context (NP_002652.2, residues 453-473): IKHKKLGPRG[Asp463Glu]VDVNMEDKKD

ClinVar aggregate classification (germline): Uncertain significance (1 of 4 stars; one submission).

Conditions:
Familial cold autoinflammatory syndrome 3 (FCAS3). Also called: FAMILIAL ATYPICAL COLD URTICARIA; ANTIBODY DEFICIENCY AND IMMUNE DYSREGULATION, PLCG2-ASSOCIATED. Identifiers: Orphanet 300359, MedGen C3280914, MONDO:0013766, OMIM 614468.

gnomAD v4.1: 1 of 1,613,938 alleles (0.000062%); highest among the groups gnomAD compares: Non-Finnish European, 0.000085%; no homozygotes.

Submission:

Labcorp Genetics (formerly Invitae), Labcorp
Classification: Uncertain significance for Familial cold autoinflammatory syndrome 3. Last evaluated: 2025-05-28. Review status: criteria provided, single submitter. Criteria: Invitae Variant Classification Sherloc (09022015). Collection method: clinical testing. Allele origin: germline.
Comment: This sequence change replaces aspartic acid, which is acidic and polar, with glutamic acid, which is acidic and polar, at codon 463 of the PLCG2 protein (p.Asp463Glu). This variant is not present in population databases (gnomAD no frequency). This variant has not been reported in the literature in individuals affected with PLCG2-related conditions. An algorithm developed to predict the effect of missense changes on protein structure and function (PolyPhen-2) suggests that this variant is likely to be tolerated. In summary, the available evidence is currently insufficient to determine the role of this variant in disease. Therefore, it has been classified as a Variant of Uncertain Significance.